The following is an entry in ClinVar:

ClinVar aggregate classification (germline): Uncertain significance (1 of 4 stars; one submission).

Conditions:
KITLG-related disorder. Also called: KITLG-related condition.

Submission:

PreventionGenetics, part of Exact Sciences
Classification: Uncertain significance for KITLG-related condition. Last evaluated: 2025-03-14. Review status: criteria provided, single submitter. Criteria: ACMG Guidelines, 2015. Collection method: clinical testing. Allele origin: germline.
Comment: The KITLG c.463G>A variant is predicted to result in the amino acid substitution p.Val155Ile. To our knowledge, this variant has not been reported in the literature or in a large population database (gnomAD), indicating this variant is rare. At this time, the clinical significance of this variant is uncertain due to the absence of conclusive functional and genetic evidence.

NM_000899.5(KITLG):c.463G>A (p.Val155Ile)

Gene: KITLG (KIT ligand; minus strand). Cytogenetic location: 12q21.32.
Variant type: single nucleotide variant.
Coding change: c.463G>A on transcript NM_000899.5 (MANE Select); coding-DNA position 463, G replaced by A.
Protein change: p.Val155Ile; replaces valine 155 with isoleucine.
Molecular consequence: missense variant.
Genome position (GRCh38, 1-based): chr12:88,516,391, C>T on the plus strand (G>A on the coding strand, the complement: KITLG is on the minus strand). VCF-style: chr12-88516391-C-T. GRCh37 (hg19) VCF-style: chr12-88910168-C-T.
Other names: c.463G>A, p.Val155Ile (NM_003994.6); short protein forms V155I.
Identifiers: ClinVar variation 4999890 (VCV004999890.1).